The following is an entry in ClinVar:

NM_000186.4(CFH):c.477T>C (p.Ser159=)

Gene: CFH (complement factor H; plus strand). Cytogenetic location: 1q31.3.
Variant type: single nucleotide variant.
Coding change: c.477T>C on transcript NM_000186.4 (MANE Select); coding-DNA position 477, T replaced by C.
Protein change: p.Ser159=; no amino-acid change (serine 159 retained).
Molecular consequence: synonymous variant.
Genome position (GRCh38, 1-based): chr1:196,677,525, T>C. VCF-style: chr1-196677525-T-C. GRCh37 (hg19) VCF-style: chr1-196646655-T-C.
Other names: p.Ser159=; c.477T>C, p.Ser159= (NM_001014975.3).
Identifiers: ClinVar variation 294486 (VCV000294486.22), dbSNP rs34940854, ClinGen allele CA1305073.
Genomic context (GRCh38, chr1:196,677,525, plus strand): 5'-ATTTTCTTCAGTTGTGAAGTGTTTACCAGTGACAGCACCAGAGAATGGAAAAATTGTCAG[T>C]AGTGCAATGGAACCAGATCGGGAATACCATTTTGGACAAGCAGTACGGTTTGTATGTAAC-3'
Protein context (NP_000177.2, residues 149-169): VTAPENGKIV[Ser159=]SAMEPDREYH

ClinVar aggregate classification (germline): Benign. Review status: criteria provided, multiple submitters, no conflicts (2 of 4 stars). 14 submissions from 8 submitters: Benign (12). 2 of the submissions do not count toward it. Last evaluated 2026-02-01.

Conditions:
Age related macular degeneration 4. Identifiers: MedGen C1853147, MONDO:0012540, OMIM 610698.
Hemolytic uremic syndrome, atypical, susceptibility to, 1. Also called: AHUS, SUSCEPTIBILITY TO, 1. Identifiers: Orphanet 2134, Orphanet 90038, MedGen C2749604, MONDO:0009335, OMIM 235400. Disease mechanism: Other.
Factor H deficiency (CFHD). Also called: CFH DEFICIENCY; COMPLEMENT FACTOR H DEFICIENCY. Identifiers: Orphanet 200421, MedGen C0398777, MONDO:0012350, OMIM 609814.
CFH-Related Dense Deposit Disease / Membranoproliferative Glomerulonephritis Type II. Identifiers: MedGen CN071292.
Basal laminar drusen. Also called: DRUSEN OF BRUCH MEMBRANE; DRUSEN, CUTICULAR; DRUSEN, EARLY ADULT-ONSET, GROUPED. Identifiers: Orphanet 75376, MedGen C0730295, MONDO:0007472, OMIM 126700.

Allele frequency attached by ClinVar (database versions not stated): gnomAD exomes 0.00390; ExAC 0.00499; gnomAD 0.01471 and 0.01586; ESP Exome Variant Server 0.01576; TOPMed 0.01702; 1000 Genomes Project 0.01957; 1000 Genomes Project 30x 0.02077.
gnomAD v4.1: 4,339 of 1,613,106 alleles (0.27%); highest among the groups gnomAD compares: African/African-American, 5.1%; 119 homozygotes.

Submissions (14):

Labcorp Genetics (formerly Invitae), Labcorp
Classification: Benign. Last evaluated: 2026-02-01. Review status: criteria provided, single submitter. Criteria: Invitae Variant Classification Sherloc (09022015). Collection method: clinical testing. Allele origin: germline.

Women's Health and Genetics/Laboratory Corporation of America, LabCorp
Classification: Benign. Last evaluated: 2026-01-22. Review status: criteria provided, single submitter. Criteria: LabCorp Variant Classification Summary - May 2015. Collection method: clinical testing. Allele origin: germline.

Genome-Nilou Lab
Classification: Benign for Hemolytic uremic syndrome, atypical, susceptibility to, 1. Last evaluated: 2023-04-11. Review status: criteria provided, single submitter. Criteria: ACMG Guidelines, 2015. Collection method: clinical testing. Allele origin: germline. Affected: no.

Genome-Nilou Lab
Classification: Benign for Age related macular degeneration 4. Last evaluated: 2023-04-11. Review status: criteria provided, single submitter. Criteria: ACMG Guidelines, 2015. Collection method: clinical testing. Allele origin: germline. Affected: no.

Genome-Nilou Lab
Classification: Benign for Basal laminar drusen. Last evaluated: 2023-04-11. Review status: criteria provided, single submitter. Criteria: ACMG Guidelines, 2015. Collection method: clinical testing. Allele origin: germline. Affected: no.

Genome-Nilou Lab
Classification: Benign for Factor H deficiency. Last evaluated: 2023-04-11. Review status: criteria provided, single submitter. Criteria: ACMG Guidelines, 2015. Collection method: clinical testing. Allele origin: germline. Affected: no.

Mayo Clinic Laboratories, Mayo Clinic
Classification: Benign. Last evaluated: 2022-03-10. Review status: criteria provided, single submitter. Criteria: ACMG Guidelines, 2015. Collection method: clinical testing. Allele origin: germline. Observed: 96 variant alleles.

Illumina Laboratory Services, Illumina
Classification: Benign for Hemolytic uremic syndrome, atypical, susceptibility to, 1. Last evaluated: 2018-01-13. Review status: criteria provided, single submitter. Criteria: ICSL Variant Classification Criteria 13 December 2019. Collection method: clinical testing. Allele origin: germline.
Comment: This variant was observed in the ICSL laboratory as part of a predisposition screen in an ostensibly healthy population. It had not been previously curated by ICSL or reported in the Human Gene Mutation Database (HGMD: prior to June 1st, 2018), and was therefore a candidate for classification through an automated scoring system. Utilizing variant allele frequency, disease prevalence and penetrance estimates, and inheritance mode, an automated score was calculated to assess if this variant is too frequent to cause the disease. Based on the score and internal cut-off values, a variant classified as benign is not then subjected to further curation. The score for this variant resulted in a classification of benign for this disease.

Illumina Laboratory Services, Illumina
Classification: Benign for Basal laminar drusen. Last evaluated: 2018-01-13. Review status: criteria provided, single submitter. Criteria: ICSL Variant Classification Criteria 13 December 2019. Collection method: clinical testing. Allele origin: germline.
Comment: the same text as in the submission from Illumina Laboratory Services, Illumina above.

Illumina Laboratory Services, Illumina
Classification: Benign for Age related macular degeneration 4. Last evaluated: 2018-01-13. Review status: criteria provided, single submitter. Criteria: ICSL Variant Classification Criteria 13 December 2019. Collection method: clinical testing. Allele origin: germline.
Comment: the same text as in the submission from Illumina Laboratory Services, Illumina above.

Illumina Laboratory Services, Illumina
Classification: Benign for Membranoproliferative glomerulonephritis with complement factor h deficiency. Last evaluated: 2018-01-13. Review status: criteria provided, single submitter. Criteria: ICSL Variant Classification Criteria 13 December 2019. Collection method: clinical testing. Allele origin: germline.
Comment: the same text as in the submission from Illumina Laboratory Services, Illumina above.

Breakthrough Genomics
Classification: Benign. Review status: criteria provided, single submitter. Criteria: ACMG Guidelines, 2015. Collection method: not provided. Allele origin: germline. Inheritance: Autosomal recessive inheritance. Affected: yes.

Genome Diagnostics Laboratory, University Medical Center Utrecht
Classification: Likely benign. Review status: no assertion criteria provided. Collection method: clinical testing. Allele origin: germline. Affected: yes. Study: VKGL Data-share Consensus. Not counted in ClinVar's aggregate classification.

Joint Genome Diagnostic Labs from Nijmegen and Maastricht, Radboudumc and MUMC+
Classification: Likely benign. Review status: no assertion criteria provided. Collection method: clinical testing. Allele origin: germline. Affected: yes. Study: VKGL Data-share Consensus. Not counted in ClinVar's aggregate classification.